The following is an entry in ClinVar:

NM_001126108.2(SLC12A3):c.1085G>A (p.Gly362Asp)

Gene: SLC12A3 (solute carrier family 12 member 3; plus strand). Cytogenetic location: 16q13.
Variant type: single nucleotide variant.
Coding change: c.1085G>A on transcript NM_001126108.2 (MANE Select); coding-DNA position 1085, G replaced by A.
Protein change: p.Gly362Asp; replaces glycine 362 with aspartic acid.
Molecular consequence: missense variant.
Genome position (GRCh38, 1-based): chr16:56,872,776, G>A. VCF-style: chr16-56872776-G-A. GRCh37 (hg19) VCF-style: chr16-56906688-G-A.
Other names: c.1085G>A, p.Gly362Asp (NM_000339.3); c.1082G>A, p.Gly361Asp (NM_001126107.2, NM_001410896.1); short protein forms G361D, G362D.
Identifiers: ClinVar variation 4061374 (VCV004061374.2).

ClinVar aggregate classification (germline): Likely pathogenic (1 of 4 stars; one submission).

Conditions:
Familial hypokalemia-hypomagnesemia (GTLMNS). Also called: HYPOMAGNESEMIA-HYPOKALEMIA, PRIMARY RENOTUBULAR, WITH HYPOCALCIURIA; POTASSIUM AND MAGNESIUM DEPLETION; gitelman syndrome. Identifiers: Orphanet 358, MedGen C0268450, MONDO:0009904, OMIM 263800.

Submission:

Natera, Inc.
Classification: Likely pathogenic for Gitelman syndrome. Last evaluated: 2025-05-30. Review status: criteria provided, single submitter. Criteria: Natera Variant Classification Schema (03/2026). Collection method: clinical testing. Allele origin: germline.
Comment: The c.1085G>A variant in SLC12A3 is a missense variant predicted to cause substitution of glycine to aspartic acid at amino acid 362. This variant is rare in the general population with a frequency below the threshold expected for the associated phenotype(s). This variant has been observed in one or more individuals affected with the associated recessive disease, as either homozygous or compound heterozygous with a second variant (PMID: 37217505). A different variant at the same position has been determined to be Pathogenic or Likely Pathogenic. Computational prediction algorithms indicate this variant is likely to affect gene or protein function. Given the available evidence, this variant is classified as Likely Pathogenic.

Literature cited by the submitters: PubMed 37217505.